The following is an entry in ClinVar:

NM_001605.3(AARS1):c.493A>G (p.Lys165Glu)

Gene: AARS1 (alanyl-tRNA synthetase 1; minus strand). Cytogenetic location: 16q22.1.
Variant type: single nucleotide variant.
Coding change: c.493A>G on transcript NM_001605.3 (MANE Select); coding-DNA position 493, A replaced by G.
Protein change: p.Lys165Glu; replaces lysine 165 with glutamic acid.
Molecular consequence: missense variant.
Genome position (GRCh38, 1-based): chr16:70,271,959, T>C on the plus strand (A>G on the coding strand, the complement: AARS1 is on the minus strand). VCF-style: chr16-70271959-T-C. GRCh37 (hg19) VCF-style: chr16-70305862-T-C.
Other names: short protein forms K165E.
Identifiers: ClinVar variation 1052461 (VCV001052461.9), dbSNP rs2152163346, ClinGen allele CA396567080.
Genomic context (GRCh38, chr16:70,271,959, plus strand): 5'-CACAGGGGCCCGTGTCACCCATCTCCCAGAAGTTATCCTTCATGTTGCCTGGGAGGATTT[T>C]GGTGTCATCCAGCCTGACAAAGGAGTAAAGATAAGTCCAGTTACAGCCCCTGACAAGAGT-3'
Protein context (NP_001596.2, residues 155-175): IWQNLGLDDT[Lys165Glu]ILPGNMKDNF

ClinVar aggregate classification (germline): Uncertain significance (1 of 4 stars; one submission).

Conditions:
Charcot-Marie-Tooth disease type 2. Also called: Charcot-Marie-Tooth type 2. Identifiers: Orphanet 64746, MedGen C0270914, MONDO:0018993.

Submission:

Labcorp Genetics (formerly Invitae), Labcorp
Classification: Uncertain significance for Charcot-Marie-Tooth disease type 2. Last evaluated: 2020-03-01. Review status: criteria provided, single submitter. Criteria: Invitae Variant Classification Sherloc (09022015). Collection method: clinical testing. Allele origin: germline.
Comment: This sequence change replaces lysine with glutamic acid at codon 165 of the AARS protein (p.Lys165Glu). The lysine residue is weakly conserved and there is a small physicochemical difference between lysine and glutamic acid. This variant is not present in population databases (ExAC no frequency). This variant has not been reported in the literature in individuals with AARS-related conditions. Algorithms developed to predict the effect of missense changes on protein structure and function (SIFT, PolyPhen-2, Align-GVGD) all suggest that this variant is likely to be tolerated, but these predictions have not been confirmed by published functional studies and their clinical significance is uncertain. In summary, the available evidence is currently insufficient to determine the role of this variant in disease. Therefore, it has been classified as a Variant of Uncertain Significance.